The following is an entry in ClinVar:

ClinVar aggregate classification (germline): Uncertain significance (1 of 4 stars; one submission).

Submission:

Labcorp Genetics (formerly Invitae), Labcorp
Classification: Uncertain significance. Last evaluated: 2025-06-17. Review status: criteria provided, single submitter. Criteria: Invitae Variant Classification Sherloc (09022015). Collection method: clinical testing. Allele origin: germline.
Comment: This sequence change replaces arginine, which is basic and polar, with glutamine, which is neutral and polar, at codon 285 of the CETP protein (p.Arg285Gln). This variant is present in population databases (rs772609946, gnomAD 0.003%). This variant has not been reported in the literature in individuals affected with CETP-related conditions. Invitae Evidence Modeling of protein sequence and biophysical properties (such as structural, functional, and spatial information, amino acid conservation, physicochemical variation, residue mobility, and thermodynamic stability) indicates that this missense variant is not expected to disrupt CETP protein function with a negative predictive value of 80%. In summary, the available evidence is currently insufficient to determine the role of this variant in disease. Therefore, it has been classified as a Variant of Uncertain Significance.

NM_000078.3(CETP):c.854G>A (p.Arg285Gln)

Gene: CETP (cholesteryl ester transfer protein; plus strand). Cytogenetic location: 16q13.
Variant type: single nucleotide variant.
Coding change: c.854G>A on transcript NM_000078.3 (MANE Select); coding-DNA position 854, G replaced by A.
Protein change: p.Arg285Gln; replaces arginine 285 with glutamine.
Molecular consequence: missense variant. On other transcripts: intron variant (1).
Genome position (GRCh38, 1-based): chr16:56,973,434, G>A. VCF-style: chr16-56973434-G-A. GRCh37 (hg19) VCF-style: chr16-57007346-G-A.
Other names: c.750+1351G>A (NM_001286085.2); short protein forms R285Q.
Identifiers: ClinVar variation 4697906 (VCV004697906.1).